The following is an entry in ClinVar:

NM_032043.3(BRIP1):c.3496T>G (p.Leu1166Val)

Gene: BRIP1 (BRCA1 interacting DNA helicase 1; minus strand). Cytogenetic location: 17q23.2.
Variant type: single nucleotide variant.
Coding change: c.3496T>G on transcript NM_032043.3 (MANE Select); coding-DNA position 3496, T replaced by G.
Protein change: p.Leu1166Val; replaces leucine 1166 with valine.
Molecular consequence: missense variant.
Genome position (GRCh38, 1-based): chr17:61,683,550, A>C on the plus strand (T>G on the coding strand, the complement: BRIP1 is on the minus strand). VCF-style: chr17-61683550-A-C. GRCh37 (hg19) VCF-style: chr17-59760911-A-C.
Other names: short protein forms L1166V.
Identifiers: ClinVar variation 1473243 (VCV001473243.9), dbSNP rs2144073872, ClinGen allele CA400478535.

ClinVar aggregate classification (germline): Uncertain significance (1 of 4 stars; one submission).

Conditions:
Familial cancer of breast. Also called: Hereditary breast cancer; BREAST CANCER, FAMILIAL; hereditary breast carcinoma. Identifiers: Orphanet 227535, MedGen C0346153, MONDO:0016419, OMIM 114480. Disease mechanism: loss of function.
Fanconi anemia complementation group J. Also called: BRIP1-Related Fanconi Anemia. Identifiers: Orphanet 84, MedGen C1836860, MONDO:0012187, OMIM 609054.

Allele frequency attached by ClinVar (database versions not stated): gnomAD exomes below 0.00001.
gnomAD v4.1: 2 of 1,613,246 alleles (0.00012%); highest among the groups gnomAD compares: Non-Finnish European, 0.00017%; no homozygotes.

Submission:

Labcorp Genetics (formerly Invitae), Labcorp
Classification: Uncertain significance for Familial cancer of breast; Fanconi anemia complementation group J. Last evaluated: 2021-05-26. Review status: criteria provided, single submitter. Criteria: Invitae Variant Classification Sherloc (09022015). Collection method: clinical testing. Allele origin: germline.
Comment: In summary, the available evidence is currently insufficient to determine the role of this variant in disease. Therefore, it has been classified as a Variant of Uncertain Significance. Algorithms developed to predict the effect of missense changes on protein structure and function (SIFT, PolyPhen-2, Align-GVGD) all suggest that this variant is likely to be tolerated, but these predictions have not been confirmed by published functional studies and their clinical significance is uncertain. This variant has not been reported in the literature in individuals with BRIP1-related conditions. This variant is not present in population databases (ExAC no frequency). This sequence change replaces leucine with valine at codon 1166 of the BRIP1 protein (p.Leu1166Val). The leucine residue is weakly conserved and there is a small physicochemical difference between leucine and valine.